The following is an entry in ClinVar:

NM_007294.4(BRCA1):c.4358-1147dup

Gene: BRCA1 (BRCA1 DNA repair associated; minus strand). Cytogenetic location: 17q21.31.
Variant type: Duplication.
Coding change: c.4358-1147dup on transcript NM_007294.4 (MANE Select); 1147 bases into the intron before coding-DNA position 4358, one base duplicated (A; older notation c.4358-1147dupA).
Molecular consequence: intron variant.
Genome position (GRCh38, 1-based): chr17:43,077,761, T duplicated on the plus strand (A on the coding strand, the reverse complement: BRCA1 is on the minus strand); the first of 3 consecutive T bases (chr17:43,077,761-43,077,763); duplicating any one gives the same sequence. VCF-style (leftmost placement, unchanged base first): chr17-43077760-G-GT. GRCh37 (hg19) VCF-style: chr17-41229777-G-GT.
Other names: IVS 13-1147insA; c.4358-1147_4358-1146insA (NM_007294.3); c.908-1147dup (NM_001408457.1, NM_001408454.1, NM_001408456.1 and 3 more transcripts); c.4217-1147dup (NM_001407692.1, NM_001407729.1, NM_001407698.1 and 13 more transcripts); c.3977-1150dup (NM_001407960.1); c.782-1150dup (NM_001408505.1); c.4213+4643dup (NM_001407964.1); c.4214-1150dup (NM_001407844.1, NM_001407851.1, NM_001407845.1 and 8 more transcripts); and 100 more.
Identifiers: ClinVar variation 209384 (VCV000209384.2), dbSNP rs11368665, ClinGen allele CA276356.
Genomic context (GRCh38, chr17:43,077,760, plus strand): 5'-GGCTTAAAGGCAGAAGTACTTATTTATTTATTTTTATTTATTTATTTTTTTTGAGATGGA[G>GT]TTTGCTCTTGTTGCCCAGGCTGCAGTGCAATGGCATGATCTTGGCTCACCACAACCTCTC-3'

ClinVar aggregate classification (germline): Benign (3 of 4 stars; one submission).

Conditions:
Breast-ovarian cancer, familial, susceptibility to, 1 (BROVCA1). Also called: BRCA1 Hereditary Breast and Ovarian Cancer; OVARIAN CANCER, SUSCEPTIBILITY TO. Identifiers: Orphanet 145, MedGen C2676676, MONDO:0011450, OMIM 604370. Disease mechanism: loss of function.

Submission:

Evidence-based Network for the Interpretation of Germline Mutant Alleles (ENIGMA)
Classification: Benign for Breast-ovarian cancer, familial 1. Last evaluated: 2015-01-12. Review status: reviewed by expert panel. Criteria: ENIGMA BRCA1/2 Classification Criteria (2015). Collection method: curation. Allele origin: germline.
Comment: Class 1 not pathogenic based on frequency >1% in an outbred sampleset. Frequency 0.98 (Asian), 0.96 (African), 0.98 (European), derived from 1000 genomes (2012-04-30).